The following is an entry in ClinVar:

NM_031885.5(BBS2):c.1220C>T (p.Ser407Phe)

Gene: BBS2 (Bardet-Biedl syndrome 2; minus strand). Cytogenetic location: 16q13.
Variant type: single nucleotide variant.
Coding change: c.1220C>T on transcript NM_031885.5 (MANE Select); coding-DNA position 1220, C replaced by T.
Protein change: p.Ser407Phe; replaces serine 407 with phenylalanine.
Molecular consequence: missense variant. On other transcripts: non-coding transcript variant (5).
Genome position (GRCh38, 1-based): chr16:56,501,358, G>A on the plus strand (C>T on the coding strand, the complement: BBS2 is on the minus strand). VCF-style: chr16-56501358-G-A. GRCh37 (hg19) VCF-style: chr16-56535270-G-A.
Other names: c.1220C>T, p.Ser407Phe (NM_001377456.1); short protein forms S407F.
Identifiers: ClinVar variation 842164 (VCV000842164.9), dbSNP rs1428784861, ClinGen allele CA395979831.

ClinVar aggregate classification (germline): Uncertain significance. Review status: criteria provided, multiple submitters, no conflicts (2 of 4 stars). 5 submissions from 5 submitters: Uncertain significance (5). Last evaluated 2025-02-20.

Conditions:
Retinitis pigmentosa 74 (RP74). Identifiers: Orphanet 791, MedGen C4225281, MONDO:0014692, OMIM 616562.
Bardet-Biedl syndrome 2 (BBS2). Identifiers: Orphanet 110, MedGen C2936863, MONDO:0014432, OMIM 615981.
Inborn genetic diseases. Identifiers: MedGen C0950123, MeSH D030342.
Retinal dystrophy. Also called: Inherited retinal dystrophy. Identifiers: Orphanet 71862, MedGen C0854723, MeSH D058499, MONDO:0019118, HP:0000556.
BBS2-related disorder. Also called: BBS2-related condition; BBS2-related disorders. Identifiers: MedGen CN239228.
Bardet-Biedl syndrome (BBS). Identifiers: Orphanet 110, MedGen C0752166, MONDO:0015229.

Allele frequency attached by ClinVar (database versions not stated): gnomAD exomes 0.00001; gnomAD 0.00002; TOPMed 0.00002.
gnomAD v4.1: 7 of 1,613,838 alleles (0.00043%); highest among the groups gnomAD compares: Admixed American, 0.01%; no homozygotes.

Submissions (5):

Ambry Genetics
Classification: Uncertain significance for Inborn genetic diseases. Last evaluated: 2025-02-20. Review status: criteria provided, single submitter. Criteria: Ambry Variant Classification Scheme 2023. Collection method: clinical testing. Allele origin: germline.

Labcorp Genetics (formerly Invitae), Labcorp
Classification: Uncertain significance for Bardet-Biedl syndrome. Last evaluated: 2024-10-23. Review status: criteria provided, single submitter. Criteria: Invitae Variant Classification Sherloc (09022015). Collection method: clinical testing. Allele origin: germline.
Comment: This sequence change replaces serine, which is neutral and polar, with phenylalanine, which is neutral and non-polar, at codon 407 of the BBS2 protein (p.Ser407Phe). This variant is present in population databases (no rsID available, gnomAD 0.006%). This variant has not been reported in the literature in individuals affected with BBS2-related conditions. ClinVar contains an entry for this variant (Variation ID: 842164). Invitae Evidence Modeling of protein sequence and biophysical properties (such as structural, functional, and spatial information, amino acid conservation, physicochemical variation, residue mobility, and thermodynamic stability) indicates that this missense variant is not expected to disrupt BBS2 protein function with a negative predictive value of 80%. In summary, the available evidence is currently insufficient to determine the role of this variant in disease. Therefore, it has been classified as a Variant of Uncertain Significance.

PreventionGenetics, part of Exact Sciences
Classification: Uncertain significance for BBS2-related condition. Last evaluated: 2024-10-07. Review status: criteria provided, single submitter. Criteria: ACMG Guidelines, 2015. Collection method: clinical testing. Allele origin: germline.
Comment: The BBS2 c.1220C>T variant is predicted to result in the amino acid substitution p.Ser407Phe. To our knowledge, this variant has not been reported in the literature. This variant is reported in 0.0058% of alleles in individuals of Latino descent in gnomAD. At this time, the clinical significance of this variant is uncertain due to the absence of conclusive functional and genetic evidence.

Dept Of Ophthalmology, Nagoya University
Classification: Uncertain significance for Retinal dystrophy. Last evaluated: 2023-10-01. Review status: criteria provided, single submitter. Criteria: Submitter's publication. Collection method: research. Allele origin: germline. Affected: yes.

Fulgent Genetics
Classification: Uncertain significance for Bardet-Biedl syndrome 2; Retinitis pigmentosa 74. Last evaluated: 2022-03-09. Review status: criteria provided, single submitter. Criteria: ACMG Guidelines, 2015. Collection method: clinical testing. Allele origin: unknown.